The following is an entry in ClinVar:

ClinVar aggregate classification (germline): Uncertain significance (1 of 4 stars; one submission).

Conditions:
Developmental and epileptic encephalopathy 94 (DEE94). Also called: Epileptic encephalopathy, childhood-onset; CHD2-Related Neurodevelopmental Disorders. Identifiers: Orphanet 1942, Orphanet 2382, MedGen C3809278, MONDO:0014150, OMIM 615369.

Allele frequency attached by ClinVar (database versions not stated): TOPMed below 0.00001; ExAC 0.00001; gnomAD exomes 0.00001.
gnomAD v4.1: 7 of 1,614,028 alleles (0.00043%); highest among the groups gnomAD compares: South Asian, 0.0011%; no homozygotes.

Submission:

Labcorp Genetics (formerly Invitae), Labcorp
Classification: Uncertain significance for Developmental and epileptic encephalopathy 94. Last evaluated: 2022-11-22. Review status: criteria provided, single submitter. Criteria: Invitae Variant Classification Sherloc (09022015). Collection method: clinical testing. Allele origin: germline.
Comment: This variant has not been reported in the literature in individuals affected with CHD2-related conditions. This variant is present in population databases (rs746200715, gnomAD 0.003%). This sequence change replaces aspartic acid, which is acidic and polar, with asparagine, which is neutral and polar, at codon 1729 of the CHD2 protein (p.Asp1729Asn). Advanced modeling of protein sequence and biophysical properties (such as structural, functional, and spatial information, amino acid conservation, physicochemical variation, residue mobility, and thermodynamic stability) performed at Invitae indicates that this missense variant is not expected to disrupt CHD2 protein function. In summary, the available evidence is currently insufficient to determine the role of this variant in disease. Therefore, it has been classified as a Variant of Uncertain Significance.

NM_001271.4(CHD2):c.5185G>A (p.Asp1729Asn)

Gene: CHD2 (chromodomain helicase DNA binding protein 2; plus strand). Cytogenetic location: 15q26.1.
Variant type: single nucleotide variant.
Coding change: c.5185G>A on transcript NM_001271.4 (MANE Select); coding-DNA position 5185, G replaced by A.
Protein change: p.Asp1729Asn; replaces aspartic acid 1729 with asparagine.
Molecular consequence: missense variant.
Genome position (GRCh38, 1-based): chr15:93,024,403, G>A. VCF-style: chr15-93024403-G-A. GRCh37 (hg19) VCF-style: chr15-93567633-G-A.
Other names: short protein forms D1729N.
Identifiers: ClinVar variation 2164491 (VCV002164491.4), dbSNP rs746200715, ClinGen allele CA7748699.
Genomic context (GRCh38, chr15:93,024,403, plus strand): 5'-TTCGACTAATCCTTGCATCTCTATTTCAGGCACCATCATGACTCCAAGCGGAGGAGATCC[G>A]ATGAATTTAGGCCTCAAAATTACCACCAGCAGGATTTCCGACGAATGTCTGATCACCGCC-3'
Protein context (NP_001262.3, residues 1719-1739): HHHDSKRRRS[Asp1729Asn]EFRPQNYHQQ